The following is an entry in ClinVar:

NC_000007.13:g.(?_6048556)_(6048657_?)dup

Gene: PMS2 (PMS1 homolog 2, mismatch repair system component; minus strand). Cytogenetic location: 7p22.1.
Variant type: Duplication.
Identifiers: ClinVar variation 3245655 (VCV003245655.1).

ClinVar aggregate classification (germline): Uncertain significance (1 of 4 stars; one submission).

Conditions:
Hereditary nonpolyposis colorectal neoplasms. Identifiers: MedGen C0009405, MeSH D003123.

Submission:

Labcorp Genetics (formerly Invitae), Labcorp
Classification: Uncertain significance for Hereditary nonpolyposis colorectal neoplasms. Last evaluated: 2024-01-12. Review status: criteria provided, single submitter. Criteria: Invitae Variant Classification Sherloc (09022015). Collection method: clinical testing. Allele origin: unknown.
Comment: This variant results in a copy number gain of the genomic region encompassing exon(s) 1 of the PMS2 gene. This region includes the initiator codon of the gene. This copy number gain extends beyond the assayed region for this gene and therefore may encompass additional genes. As the precise location of this event is unknown, it may be in tandem or it may be located elsewhere in the genome. This variant has not been reported in the literature in individuals affected with PMS2-related conditions. Experimental studies and prediction algorithms are not available or were not evaluated, and the functional significance of this variant is currently unknown. In summary, the available evidence is currently insufficient to determine the role of this variant in disease. Therefore, it has been classified as a Variant of Uncertain Significance.